The following is an entry in ClinVar:

NM_001033855.3(DCLRE1C):c.1885C>T (p.His629Tyr)

Gene: DCLRE1C (DNA cross-link repair 1C; minus strand). Cytogenetic location: 10p13.
Variant type: single nucleotide variant.
Coding change: c.1885C>T on transcript NM_001033855.3 (MANE Select); coding-DNA position 1885, C replaced by T.
Protein change: p.His629Tyr; replaces histidine 629 with tyrosine.
Molecular consequence: missense variant. On other transcripts: non-coding transcript variant (3), intron variant (3).
Genome position (GRCh38, 1-based): chr10:14,908,602, G>A on the plus strand (C>T on the coding strand, the complement: DCLRE1C is on the minus strand). VCF-style: chr10-14908602-G-A. GRCh37 (hg19) VCF-style: chr10-14950601-G-A.
Other names: c.1525C>T, p.His509Tyr (NM_001033857.3, NM_001033858.3, NM_001289077.2 and 1 more transcripts); c.1540C>T, p.His514Tyr (NM_001289076.2, NM_001289078.2, NM_022487.4); c.1437+103C>T (NM_001350966.2); c.1782+103C>T (NM_001350965.2); c.1422+103C>T (NM_001350967.2); c.1885C>T (NM_001033855.1); short protein forms H509Y, H514Y, H629Y.
Identifiers: ClinVar variation 849034 (VCV000849034.4), dbSNP rs768407082, ClinGen allele CA5416382.

ClinVar aggregate classification (germline): Uncertain significance. Review status: criteria provided, multiple submitters, no conflicts (2 of 4 stars). 2 submissions from 2 submitters: Uncertain significance (2). Last evaluated 2025-01-25.

Conditions:
Inborn genetic diseases. Identifiers: MedGen C0950123, MeSH D030342.
Severe combined immunodeficiency due to DCLRE1C deficiency (RS-SCID). Also called: SCID, AUTOSOMAL RECESSIVE, T CELL-NEGATIVE, B CELL-NEGATIVE, NK CELL-POSITIVE, WITH SENSITIVITY TO IONIZING RADIATION. Identifiers: Orphanet 275, MedGen C1865371, MONDO:0011225, OMIM 602450.

Allele frequency attached by ClinVar (database versions not stated): TOPMed below 0.00001; ExAC 0.00001; gnomAD 0.00001; gnomAD exomes 0.00002 and 0.00001.
gnomAD v4.1: 38 of 1,614,046 alleles (0.0024%); highest among the groups gnomAD compares: Non-Finnish European, 0.003%; no homozygotes.

Submissions (2):

Ambry Genetics
Classification: Uncertain significance for Inborn genetic diseases. Last evaluated: 2025-01-25. Review status: criteria provided, single submitter. Criteria: Ambry Variant Classification Scheme 2023. Collection method: clinical testing. Allele origin: germline.

Labcorp Genetics (formerly Invitae), Labcorp
Classification: Uncertain significance for Athabaskan severe combined immunodeficiency. Last evaluated: 2022-08-21. Review status: criteria provided, single submitter. Criteria: Invitae Variant Classification Sherloc (09022015). Collection method: clinical testing. Allele origin: germline.
Comment: This sequence change replaces histidine, which is basic and polar, with tyrosine, which is neutral and polar, at codon 629 of the DCLRE1C protein (p.His629Tyr). This variant is present in population databases (rs768407082, gnomAD 0.003%). This variant has not been reported in the literature in individuals affected with DCLRE1C-related conditions. ClinVar contains an entry for this variant (Variation ID: 849034). Algorithms developed to predict the effect of missense changes on protein structure and function output the following: SIFT: "Tolerated"; PolyPhen-2: "Benign"; Align-GVGD: "Class C0". The tyrosine amino acid residue is found in multiple mammalian species, which suggests that this missense change does not adversely affect protein function. In summary, the available evidence is currently insufficient to determine the role of this variant in disease. Therefore, it has been classified as a Variant of Uncertain Significance.